The following is an entry in ClinVar:

ClinVar aggregate classification (germline): Uncertain significance (1 of 4 stars; one submission).

Conditions:
Joubert syndrome. Also called: CEREBELLOPARENCHYMAL DISORDER IV; JOUBERT-BOLTSHAUSER SYNDROME; Familial aplasia of the vermis. Identifiers: Orphanet 475, MedGen C5979921, MONDO:0018772.
Meckel-Gruber syndrome. Also called: DYSENCEPHALIA SPLANCHNOCYSTICA; GRUBER SYNDROME; Dysencephalia splachnocystica. Identifiers: Orphanet 564, MedGen C0265215, MONDO:0018921.

Allele frequency attached by ClinVar (database versions not stated): gnomAD exomes below 0.00001.
gnomAD v4.1: 1 of 1,613,784 alleles (0.000062%); highest among the groups gnomAD compares: Admixed American, 0.0017%; no homozygotes.

Submission:

Labcorp Genetics (formerly Invitae), Labcorp
Classification: Uncertain significance for Joubert syndrome; Meckel-Gruber syndrome. Last evaluated: 2022-03-13. Review status: criteria provided, single submitter. Criteria: Invitae Variant Classification Sherloc (09022015). Collection method: clinical testing. Allele origin: germline.
Comment: In summary, the available evidence is currently insufficient to determine the role of this variant in disease. Therefore, it has been classified as a Variant of Uncertain Significance. Advanced modeling of protein sequence and biophysical properties (such as structural, functional, and spatial information, amino acid conservation, physicochemical variation, residue mobility, and thermodynamic stability) performed at Invitae indicates that this missense variant is expected to disrupt TMEM67 protein function. This variant has not been reported in the literature in individuals affected with TMEM67-related conditions. This variant is present in population databases (no rsID available, gnomAD 0.003%). This sequence change replaces leucine, which is neutral and non-polar, with phenylalanine, which is neutral and non-polar, at codon 528 of the TMEM67 protein (p.Leu528Phe).

NM_153704.6(TMEM67):c.1584G>C (p.Leu528Phe)

Gene: TMEM67 (transmembrane protein 67; plus strand). Cytogenetic location: 8q22.1.
Variant type: single nucleotide variant.
Coding change: c.1584G>C on transcript NM_153704.6 (MANE Select); coding-DNA position 1584, G replaced by C.
Protein change: p.Leu528Phe; replaces leucine 528 with phenylalanine.
Molecular consequence: missense variant. On other transcripts: non-coding transcript variant (1).
Genome position (GRCh38, 1-based): chr8:93,793,206, G>C. VCF-style: chr8-93793206-G-C. GRCh37 (hg19) VCF-style: chr8-94805434-G-C.
Other names: c.1341G>C, p.Leu447Phe (NM_001142301.1); short protein forms L447F, L528F.
Identifiers: ClinVar variation 1401285 (VCV001401285.8), dbSNP rs1340120220, ClinGen allele CA371691137.
Genomic context (GRCh38, chr8:93,793,206, plus strand): 5'-AACACCGATGACAGAAATTACATAAATTCTCAATTGTTCTTTTGTTTTTTAGATTGCTTT[G>C]GGTGTATTGGGTGGGCTAGCTGTTTTAGCATCTCTTTTGAAGACAGCAGGATGGAAGAGG-3'
Protein context (NP_714915.3, residues 518-538): GEAHVQTDIA[Leu528Phe]GVLGGLAVLA